The following is an entry in ClinVar:

ClinVar aggregate classification (germline): Likely pathogenic (1 of 4 stars; one submission).

Conditions:
Autosomal recessive nonsyndromic hearing loss 3. Also called: NEUROSENSORY NONSYNDROMIC RECESSIVE DEAFNESS 3. Identifiers: Orphanet 90636, MedGen C1838263, MONDO:0010860, OMIM 600316.

Submission:

Institute of Rare Diseases, West China Hospital, Sichuan University
Classification: Likely pathogenic for Autosomal recessive nonsyndromic hearing loss 3. Last evaluated: 2025-01-09. Review status: criteria provided, single submitter. Criteria: ClinGen HL ACMG Specifications v1. Collection method: research. Allele origin: germline. Affected: yes.
Comment: PVS1;PM2_Supporting

NM_016239.4(MYO15A):c.6692-1G>A

Gene: MYO15A (myosin XVA; plus strand). Cytogenetic location: 17p11.2.
Variant type: single nucleotide variant.
Coding change: c.6692-1G>A on transcript NM_016239.4 (MANE Select); the canonical splice acceptor site of the intron before coding-DNA position 6692, G replaced by A.
Molecular consequence: splice acceptor variant.
Genome position (GRCh38, 1-based): chr17:18,148,495, G>A. VCF-style: chr17-18148495-G-A. GRCh37 (hg19) VCF-style: chr17-18051809-G-A.
Identifiers: ClinVar variation 3601377 (VCV003601377.1).